The following is an entry in ClinVar:

ClinVar aggregate classification (germline): Likely benign. Review status: criteria provided, multiple submitters, no conflicts (2 of 4 stars). 2 submissions from 2 submitters: Likely benign (2). Last evaluated 2025-11-03.

Allele frequency attached by ClinVar (database versions not stated): gnomAD 0.00006 and 0.00007; gnomAD exomes 0.00006 and 0.00019; TOPMed 0.00006; ExAC 0.00007; ESP Exome Variant Server 0.00015.
gnomAD v4.1: 286 of 1,613,272 alleles (0.018%); highest among the groups gnomAD compares: Non-Finnish European, 0.024%; 1 homozygote.

Submissions (2):

Labcorp Genetics (formerly Invitae), Labcorp
Classification: Likely benign. Last evaluated: 2025-11-03. Review status: criteria provided, single submitter. Criteria: Invitae Variant Classification Sherloc (09022015). Collection method: clinical testing. Allele origin: germline.

GeneDx
Classification: Likely benign. Last evaluated: 2017-06-15. Review status: criteria provided, single submitter. Criteria: GeneDx Variant Classification (06012015). Collection method: clinical testing. Allele origin: germline. Affected: yes.
Comment: This variant is considered likely benign or benign based on one or more of the following criteria: it is a conservative change, it occurs at a poorly conserved position in the protein, it is predicted to be benign by multiple in silico algorithms, and/or has population frequency not consistent with disease.

NM_012062.5(DNM1L):c.963C>T (p.Ser321=)

Gene: DNM1L (dynamin 1 like; plus strand). Cytogenetic location: 12p11.21.
Variant type: single nucleotide variant.
Coding change: c.963C>T on transcript NM_012062.5 (MANE Select); coding-DNA position 963, C replaced by T.
Protein change: p.Ser321=; no amino-acid change (serine 321 retained).
Molecular consequence: synonymous variant.
Genome position (GRCh38, 1-based): chr12:32,722,517, C>T. VCF-style: chr12-32722517-C-T. GRCh37 (hg19) VCF-style: chr12-32875451-C-T.
Other names: c.963C>T, p.Ser321= (NM_001278463.2, NM_005690.5, NM_012063.4); c.1002C>T, p.Ser334= (NM_001278464.2, NM_001278465.2, NM_001330380.2); c.354C>T, p.Ser118= (NM_001278466.2).
Identifiers: ClinVar variation 510282 (VCV000510282.8), dbSNP rs370248038, ClinGen allele CA6507442.